The following is an entry in ClinVar:

ClinVar aggregate classification (germline): Uncertain significance (1 of 4 stars; one submission).

Allele frequency attached by ClinVar (database versions not stated): ExAC 0.00002; gnomAD exomes 0.00003.
gnomAD v4.1: 6 of 1,211,408 alleles (0.0005%); highest among the groups gnomAD compares: Admixed American, 0.013%; no homozygotes.

Submission:

Labcorp Genetics (formerly Invitae), Labcorp
Classification: Uncertain significance. Last evaluated: 2025-02-10. Review status: criteria provided, single submitter. Criteria: Invitae Variant Classification Sherloc (09022015). Collection method: clinical testing. Allele origin: germline.
Comment: This sequence change replaces phenylalanine, which is neutral and non-polar, with isoleucine, which is neutral and non-polar, at codon 1430 of the CACNA1F protein (p.Phe1430Ile). This variant is present in population databases (rs782178263, gnomAD 0.02%). This missense change has been observed in individual(s) with clinical features of CACNA1F-related conditions (internal data). ClinVar contains an entry for this variant (Variation ID: 965623). Invitae Evidence Modeling of protein sequence and biophysical properties (such as structural, functional, and spatial information, amino acid conservation, physicochemical variation, residue mobility, and thermodynamic stability) has been performed for this missense variant. However, the output from this modeling did not meet the statistical confidence thresholds required to predict the impact of this variant on CACNA1F protein function. In summary, the available evidence is currently insufficient to determine the role of this variant in disease. Therefore, it has been classified as a Variant of Uncertain Significance.

NM_001256789.3(CACNA1F):c.4255T>A (p.Phe1419Ile)

Gene: CACNA1F (calcium voltage-gated channel subunit alpha1 F; minus strand). Cytogenetic location: Xp11.23.
Variant type: single nucleotide variant.
Coding change: c.4255T>A on transcript NM_001256789.3 (MANE Select); coding-DNA position 4255, T replaced by A.
Protein change: p.Phe1419Ile; replaces phenylalanine 1419 with isoleucine.
Molecular consequence: missense variant.
Genome position (GRCh38, 1-based): chrX:49,211,327, A>T on the plus strand (T>A on the coding strand, the complement: CACNA1F is on the minus strand). VCF-style: chrX-49211327-A-T. GRCh37 (hg19) VCF-style: chrX-49067787-A-T.
Other names: c.4093T>A, p.Phe1365Ile (NM_001256790.3); c.4288T>A, p.Phe1430Ile (NM_005183.4); short protein forms F1419I, F1430I, F1365I.
Identifiers: ClinVar variation 965623 (VCV000965623.10), dbSNP rs782178263, ClinGen allele CA10410245.